The following is an entry in ClinVar:

NM_001429.4(EP300):c.4096A>G (p.Ile1366Val)

Gene: EP300 (EP300 lysine acetyltransferase; plus strand). Cytogenetic location: 22q13.2.
Variant type: single nucleotide variant.
Coding change: c.4096A>G on transcript NM_001429.4 (MANE Select); coding-DNA position 4096, A replaced by G.
Protein change: p.Ile1366Val; replaces isoleucine 1366 with valine.
Molecular consequence: missense variant.
Genome position (GRCh38, 1-based): chr22:41,168,791, A>G. VCF-style: chr22-41168791-A-G. GRCh37 (hg19) VCF-style: chr22-41564795-A-G.
Other names: c.4018A>G, p.Ile1340Val (NM_001362843.2); short protein forms I1340V, I1366V.
Identifiers: ClinVar variation 2634403 (VCV002634403.5), dbSNP rs1362394296, ClinGen allele CA411700074.

ClinVar aggregate classification (germline): Uncertain significance. Review status: criteria provided, single submitter (1 of 4 stars). 2 submissions from 2 submitters: Uncertain significance (1). 1 of the submissions does not count toward it. Last evaluated 2024-08-05.

Conditions:
EP300-related disorder. Also called: EP300-related condition; EP300-related disorders.
Rubinstein-Taybi syndrome due to EP300 haploinsufficiency. Also called: EP300-Related Rubinstein-Taybi Syndrome; RUBINSTEIN-TAYBI SYNDROME 2. Identifiers: Orphanet 353284, Orphanet 783, MedGen C3150941, MONDO:0013364, OMIM 613684.

Allele frequency attached by ClinVar (database versions not stated): gnomAD exomes below 0.00001; gnomAD 0.00001.
gnomAD v4.1: 2 of 1,614,060 alleles (0.00012%); highest among the groups gnomAD compares: African/African-American, 0.0027%; no homozygotes.

Submissions (2):

Labcorp Genetics (formerly Invitae), Labcorp
Classification: Uncertain significance for Rubinstein-Taybi syndrome due to EP300 haploinsufficiency. Last evaluated: 2024-08-05. Review status: criteria provided, single submitter. Criteria: Invitae Variant Classification Sherloc (09022015). Collection method: clinical testing. Allele origin: germline.
Comment: This sequence change replaces isoleucine, which is neutral and non-polar, with valine, which is neutral and non-polar, at codon 1366 of the EP300 protein (p.Ile1366Val). This variant is present in population databases (no rsID available, gnomAD 0.008%). This variant has not been reported in the literature in individuals affected with EP300-related conditions. ClinVar contains an entry for this variant (Variation ID: 2634403). Advanced modeling of protein sequence and biophysical properties (such as structural, functional, and spatial information, amino acid conservation, physicochemical variation, residue mobility, and thermodynamic stability) performed at Invitae indicates that this missense variant is not expected to disrupt EP300 protein function with a negative predictive value of 80%. In summary, the available evidence is currently insufficient to determine the role of this variant in disease. Therefore, it has been classified as a Variant of Uncertain Significance.

PreventionGenetics, part of Exact Sciences
Classification: Uncertain significance for EP300-related condition. Last evaluated: 2023-12-02. Review status: no assertion criteria provided. Collection method: clinical testing. Allele origin: germline. Not counted in ClinVar's aggregate classification.
Comment: The EP300 c.4096A>G variant is predicted to result in the amino acid substitution p.Ile1366Val. To our knowledge, this variant has not been reported in the literature. This variant is reported in 0.0080% of alleles in individuals of African descent in gnomAD. At this time, the clinical significance of this variant is uncertain due to the absence of conclusive functional and genetic evidence.